The following is an entry in ClinVar:

NM_003848.4(SUCLG2):c.1070C>G (p.Ala357Gly)

Gene: SUCLG2 (succinate-CoA ligase GDP-forming subunit beta; minus strand). Cytogenetic location: 3p14.1.
Variant type: single nucleotide variant.
Coding change: c.1070C>G on transcript NM_003848.4 (MANE Select); coding-DNA position 1070, C replaced by G.
Protein change: p.Ala357Gly; replaces alanine 357 with glycine.
Molecular consequence: missense variant.
Genome position (GRCh38, 1-based): chr3:67,400,844, G>C on the plus strand (C>G on the coding strand, the complement: SUCLG2 is on the minus strand). VCF-style: chr3-67400844-G-C. GRCh37 (hg19) VCF-style: chr3-67451268-G-C.
Other names: c.1070C>G, p.Ala357Gly (NM_001177599.2); short protein forms A357G.
Identifiers: ClinVar variation 2620434 (VCV002620434.4), dbSNP rs1244643139, ClinGen allele CA353552798.

ClinVar aggregate classification (germline): Uncertain significance. Review status: criteria provided, multiple submitters, no conflicts (2 of 4 stars). 2 submissions from 2 submitters: Uncertain significance (2). Last evaluated 2025-01-30.

Allele frequency attached by ClinVar (database versions not stated): gnomAD exomes 0.00001.
gnomAD v4.1: 3 of 1,612,150 alleles (0.00019%); highest among the groups gnomAD compares: Non-Finnish European, 0.00025%; no homozygotes.

Submissions (2):

Labcorp Genetics (formerly Invitae), Labcorp
Classification: Uncertain significance. Last evaluated: 2025-01-30. Review status: criteria provided, single submitter. Criteria: Invitae Variant Classification Sherloc (09022015). Collection method: clinical testing. Allele origin: germline.
Comment: This sequence change replaces alanine, which is neutral and non-polar, with glycine, which is neutral and non-polar, at codon 357 of the SUCLG2 protein (p.Ala357Gly). This variant is present in population databases (no rsID available, gnomAD 0.0009%). This variant has not been reported in the literature in individuals affected with SUCLG2-related conditions. ClinVar contains an entry for this variant (Variation ID: 2620434). An algorithm developed to predict the effect of missense changes on protein structure and function (PolyPhen-2) suggests that this variant is likely to be tolerated. In summary, the available evidence is currently insufficient to determine the role of this variant in disease. Therefore, it has been classified as a Variant of Uncertain Significance.

Ambry Genetics
Classification: Uncertain significance. Last evaluated: 2023-08-21. Review status: criteria provided, single submitter. Criteria: Ambry Variant Classification Scheme 2023. Collection method: clinical testing. Allele origin: germline.